The following is an entry in ClinVar:

ClinVar aggregate classification (germline): Benign (1 of 4 stars; one submission).

Allele frequency attached by ClinVar (database versions not stated): 1000 Genomes Project 0.03215; 1000 Genomes Project 30x 0.03482.
gnomAD v4.1: 7,778 of 1,188,260 alleles (0.65%); highest among the groups gnomAD compares: African/African-American, 9.8%; 355 homozygotes.

Submission:

GeneDx
Classification: Benign. Last evaluated: 2018-06-14. Review status: criteria provided, single submitter. Criteria: GeneDx Variant Classification (06012015). Collection method: clinical testing. Allele origin: germline. Affected: yes.
Comment: This variant is considered likely benign or benign based on one or more of the following criteria: it is a conservative change, it occurs at a poorly conserved position in the protein, it is predicted to be benign by multiple in silico algorithms, and/or has population frequency not consistent with disease.

NM_001851.6(COL9A1):c.1230+53C>A

Gene: COL9A1 (collagen type IX alpha 1 chain; minus strand). Cytogenetic location: 6q13.
Variant type: single nucleotide variant.
Coding change: c.1230+53C>A on transcript NM_001851.6 (MANE Select); 53 bases into the intron after coding-DNA position 1230, C replaced by A.
Molecular consequence: intron variant.
Genome position (GRCh38, 1-based): chr6:70,269,580, G>T on the plus strand (C>A on the coding strand, the complement: COL9A1 is on the minus strand). VCF-style: chr6-70269580-G-T. GRCh37 (hg19) VCF-style: chr6-70979283-G-T.
Other names: c.501+53C>A (NM_001377290.1, NM_078485.4, NM_001377289.1).
Identifiers: ClinVar variation 679085 (VCV000679085.1), dbSNP rs549742, ClinGen allele CA140878963.